The following is an entry in ClinVar:

NM_001849.4(COL6A2):c.856-24_856-10del

Gene: COL6A2 (collagen type VI alpha 2 chain; plus strand). Cytogenetic location: 21q22.3.
Variant type: Deletion.
Coding change: c.856-24_856-10del on transcript NM_001849.4 (MANE Select); 24 bases into the intron before coding-DNA position 856 through 10 bases into the intron before coding-DNA position 856, 15 bases deleted (ACACTGCTGCGTTGT).
Molecular consequence: intron variant.
Genome position (GRCh38, 1-based): chr21:46,115,985-46,115,999, ACACTGCTGCGTTGT deleted. VCF-style (leftmost placement, unchanged base first): chr21-46115984-CACACTGCTGCGTTGT-C. GRCh37 (hg19) VCF-style: chr21-47535898-CACACTGCTGCGTTGT-C.
Other names: c.856-24_856-10del (NM_058175.3, NM_058174.3).
Identifiers: ClinVar variation 2019151 (VCV002019151.5), dbSNP rs2516995257, ClinGen allele CA2580099011.
Genomic context (GRCh38, chr21:46,115,984, plus strand): 5'-AGGTGAGTGTCCTTGCCCCACGCCCGCCCCGCCTGCAGCCCAGCGCCCCAGGGCTGGGCT[CACACTGCTGCGTTGT>C]CCTTCACAGGGAGACCCGGGCATCGAAGGCCCCATTGGATTCCCAGGACCCAAGGTGAGT-3'

ClinVar aggregate classification (germline): Uncertain significance. Review status: criteria provided, multiple submitters, no conflicts (2 of 4 stars). 2 submissions from 2 submitters: Uncertain significance (2). Last evaluated 2022-07-23.

Conditions:
Bethlem myopathy 1A. Also called: MYOPATHY, BENIGN CONGENITAL, WITH CONTRACTURES; Bethlem Muscular Dystrophy; Bethlem myopathy 1. Identifiers: Orphanet 610, MedGen CN029274, MONDO:0024530, OMIM 158810.

Submissions (2):

Labcorp Genetics (formerly Invitae), Labcorp
Classification: Uncertain significance for Bethlem myopathy 1A. Last evaluated: 2022-07-23. Review status: criteria provided, single submitter. Criteria: Invitae Variant Classification Sherloc (09022015). Collection method: clinical testing. Allele origin: germline.
Comment: In summary, the available evidence is currently insufficient to determine the role of this variant in disease. Therefore, it has been classified as a Variant of Uncertain Significance. Algorithms developed to predict the effect of sequence changes on RNA splicing suggest that this variant may disrupt the consensus splice site. This variant has not been reported in the literature in individuals affected with COL6A2-related conditions. This variant is not present in population databases (gnomAD no frequency). This sequence change falls in intron 6 of the COL6A2 gene. It does not directly change the encoded amino acid sequence of the COL6A2 protein.

Blueprint Genetics
Classification: Uncertain significance. Last evaluated: 2022-06-03. Review status: criteria provided, single submitter. Criteria: ACMG Guidelines, 2015. Collection method: clinical testing. Allele origin: germline.